The following is an entry in ClinVar:

ClinVar aggregate classification (germline): Likely benign (0 of 4 stars; one submission).

Conditions:
PAX3-related disorder. Also called: PAX3-related condition.

Allele frequency attached by ClinVar (database versions not stated): gnomAD exomes below 0.00001; gnomAD 0.00001; TOPMed 0.00002.

Submission:

PreventionGenetics, part of Exact Sciences
Classification: Likely benign for PAX3-related condition. Last evaluated: 2021-08-03. Review status: no assertion criteria provided. Collection method: clinical testing. Allele origin: germline.
Comment: This variant is classified as likely benign based on ACMG/AMP sequence variant interpretation guidelines (Richards et al. 2015 PMID: 25741868, with internal and published modifications).

NM_181458.4(PAX3):c.586+407C>T

Gene: PAX3 (paired box 3; minus strand). Cytogenetic location: 2q36.1.
Variant type: single nucleotide variant.
Coding change: c.586+407C>T on transcript NM_181458.4 (MANE Select); 407 bases into the intron after coding-DNA position 586, C replaced by T.
Molecular consequence: intron variant. On other transcripts: 3 prime UTR variant (1).
Genome position (GRCh38, 1-based): chr2:222,293,760, G>A on the plus strand (C>T on the coding strand, the complement: PAX3 is on the minus strand). VCF-style: chr2-222293760-G-A. GRCh37 (hg19) VCF-style: chr2-223158479-G-A.
Other names: c.*345C>T (NM_000438.6); c.583+407C>T (NM_001127366.3); c.586+407C>T (NM_181460.4, NM_181461.4, NM_181459.4 and 1 more transcripts); c.587-3C>T (NM_013942.5).
Identifiers: ClinVar variation 3061695 (VCV003061695.2), dbSNP rs1319235729, ClinGen allele CA539496496.